The following is an entry in ClinVar:

ClinVar aggregate classification (germline): Conflicting classifications of pathogenicity. Review status: criteria provided, conflicting classifications (1 of 4 stars). 3 submissions from 3 submitters: Uncertain significance (2); Benign (1). Last evaluated 2025-06-11.

Conditions:
Spinocerebellar ataxia, autosomal recessive, with axonal neuropathy 2 (SCAN2). Also called: ATAXIA-OCULOMOTOR APRAXIA 2; Ataxia-ocular apraxia-2; Ataxia with Oculomotor Apraxia; Ataxia with Oculomotor Apraxia Type 2. Identifiers: Orphanet 64753, MedGen C1853761, MONDO:0018996, OMIM 606002.
Amyotrophic lateral sclerosis type 4 (ALS4). Also called: AMYOTROPHIC LATERAL SCLEROSIS 4, JUVENILE; NEURONOPATHY, DISTAL HEREDITARY MOTOR, WITH PYRAMIDAL FEATURES. Identifiers: Orphanet 357043, MedGen C1865409, MONDO:0011223, OMIM 602433.
Inborn genetic diseases. Identifiers: MedGen C0950123, MeSH D030342.

Allele frequency attached by ClinVar (database versions not stated): ExAC 0.00001; gnomAD 0.00001; gnomAD exomes 0.00002; ESP Exome Variant Server 0.00008.
gnomAD v4.1: 10 of 1,614,078 alleles (0.00062%); highest among the groups gnomAD compares: South Asian, 0.0022%; no homozygotes.

Submissions (3):

Labcorp Genetics (formerly Invitae), Labcorp
Classification: Benign for Amyotrophic lateral sclerosis type 4; Spinocerebellar ataxia, autosomal recessive, with axonal neuropathy 2. Last evaluated: 2025-06-11. Review status: criteria provided, single submitter. Criteria: Invitae Variant Classification Sherloc (09022015). Collection method: clinical testing. Allele origin: germline.

Women's Health and Genetics/Laboratory Corporation of America, LabCorp
Classification: Uncertain significance. Last evaluated: 2024-06-20. Review status: criteria provided, single submitter. Criteria: LabCorp Variant Classification Summary - May 2015. Collection method: clinical testing. Allele origin: germline.
Comment: Variant summary: SETX c.3347A>G (p.Asn1116Ser) results in a conservative amino acid change in the encoded protein sequence. Five of five in-silico tools predict a benign effect of the variant on protein function. The variant allele was found at a frequency of 4e-06 in 250706 control chromosomes. The available data on variant occurrences in the general population are insufficient to allow any conclusion about variant significance. c.3347A>G has been reported in the literature in at least one individual affected with Amyotrophic Lateral Sclerosis (Ganapathy_2019). These report(s) do not provide unequivocal conclusions about association of the variant with Amyotrophic Lateral Sclerosis Type 4. To our knowledge, no experimental evidence demonstrating an impact on protein function has been reported. The following publication has been ascertained in the context of this evaluation (PMID: 31069529). ClinVar contains an entry for this variant (Variation ID: 1730467). Based on the evidence outlined above, the variant was classified as uncertain significance.

Ambry Genetics
Classification: Uncertain significance for Inborn genetic diseases. Last evaluated: 2022-08-30. Review status: criteria provided, single submitter. Criteria: Ambry Variant Classification Scheme 2023. Collection method: clinical testing. Allele origin: germline.
Comment: The p.N1116S variant (also known as c.3347A>G), located in coding exon 8 of the SETX gene, results from an A to G substitution at nucleotide position 3347. The asparagine at codon 1116 is replaced by serine, an amino acid with highly similar properties. This alteration was detected in the heterozygous state in an individual with amyotrophic lateral sclerosis; however, clinical details were limited (Ganapathy A et al. J Neurol, 2019 Aug;266:1919-1926). This amino acid position is poorly conserved in available vertebrate species. In addition, this alteration is predicted to be tolerated by in silico analysis. Since supporting evidence is limited at this time, the clinical significance of this alteration remains unclear.

Literature cited by the submitters: PubMed 31069529 (cited by Women's Health and Genetics/Laboratory Corporation of America, LabCorp and Ambry Genetics).

NM_015046.7(SETX):c.3347A>G (p.Asn1116Ser)

Gene: SETX (senataxin; minus strand). Cytogenetic location: 9q34.13.
Variant type: single nucleotide variant.
Coding change: c.3347A>G on transcript NM_015046.7 (MANE Select); coding-DNA position 3347, A replaced by G.
Protein change: p.Asn1116Ser; replaces asparagine 1116 with serine.
Molecular consequence: missense variant.
Genome position (GRCh38, 1-based): chr9:132,328,251, T>C on the plus strand (A>G on the coding strand, the complement: SETX is on the minus strand). VCF-style: chr9-132328251-T-C. GRCh37 (hg19) VCF-style: chr9-135203638-T-C.
Other names: c.3347A>G, p.Asn1116Ser (NM_001351527.2, NM_001351528.2); short protein forms N1116S.
Identifiers: ClinVar variation 1730467 (VCV001730467.4), dbSNP rs148550755, ClinGen allele CA5297422.